The following is an entry in ClinVar:

ClinVar aggregate classification (germline): Pathogenic (1 of 4 stars; one submission).

Conditions:
Severe myoclonic epilepsy in infancy (DRVT). Also called: Epileptic encephalopathy, early infantile, 6 (Dravet syndrome); SEVERE MYOCLONIC EPILEPSY OF INFANCY; DEVELOPMENTAL AND EPILEPTIC ENCEPHALOPATHY 6A; Severe Myoclonic Epilepsy in Infancy (SMEI); Dravet syndrome. Identifiers: Orphanet 33069, MedGen C0751122, MONDO:0100135, OMIM 607208.

Submission:

Center for Bioinformatics, Peking University
Classification: Pathogenic for Dravet syndrome. Last evaluated: 2014-12-20. Review status: criteria provided, single submitter. Criteria: Xu et al. (Hum Mutat. 2015). Collection method: research. Allele origin: de novo. Affected: yes. Observed: 1 variant allele. Study: University Clinical Cooperation “985 Project” PKU-2014-1-1.
Comment: Dravet syndrome (DS) probands were recruited from the outpatient and inpatient child neurology units of Peking University First Hospital from 2005 till present. The study was approved by the Ethics Committee of Peking University First Hospital and the Institutional Review Board at Peking University. Participants or their parents provided written informed consent before enrollment. We collected a total of 267 mutations from 255 families with probands diagnosed with DS in China. All probands fulfilled the clinical diagnostic criteria.

NM_001165963.4(SCN1A):c.826A>C (p.Lys276Gln)

Gene: SCN1A (sodium voltage-gated channel alpha subunit 1; minus strand). Cytogenetic location: 2q24.3.
Variant type: single nucleotide variant.
Coding change: c.826A>C on transcript NM_001165963.4 (MANE Select); coding-DNA position 826, A replaced by C.
Protein change: p.Lys276Gln; replaces lysine 276 with glutamine.
Molecular consequence: missense variant. On other transcripts: 5 prime UTR variant (1), non-coding transcript variant (1).
Genome position (GRCh38, 1-based): chr2:166,051,857, T>G on the plus strand (A>C on the coding strand, the complement: SCN1A is on the minus strand). VCF-style: chr2-166051857-T-G. GRCh37 (hg19) VCF-style: chr2-166908367-T-G.
Other names: c.826A>C, p.Lys276Gln (NM_001165964.3, NM_001202435.3, NM_001353948.2 and 10 more transcripts); c.-1600A>C (NM_001353961.2); short protein forms K276Q.
Identifiers: ClinVar variation 190021 (VCV000190021.1), dbSNP rs794726847, ClinGen allele CA303576.
Genomic context (GRCh38, chr2:166,051,857, plus strand): 5'-TATTCTTTTCTATACTATGTTCCTCCAAGGAAGCATTGGTGGGAGGCCATTGTATACATT[T>G]ATTCCTCAGGTTGCCCATGAACAGCTGCAGCCCAATTAGAGCAAATACGCTCAGACAGAA-3'
Protein context (NP_001159435.1, residues 266-286): LQLFMGNLRN[Lys276Gln]CIQWPPTNAS